The following is an entry in ClinVar:

ClinVar aggregate classification (germline): Uncertain significance (1 of 4 stars; one submission).

Allele frequency attached by ClinVar (database versions not stated): gnomAD exomes below 0.00001.
gnomAD v4.1: 10 of 1,613,822 alleles (0.00062%); highest among the groups gnomAD compares: African/African-American, 0.0053%; no homozygotes.

Submission:

Labcorp Genetics (formerly Invitae), Labcorp
Classification: Uncertain significance. Last evaluated: 2022-11-01. Review status: criteria provided, single submitter. Criteria: Invitae Variant Classification Sherloc (09022015). Collection method: clinical testing. Allele origin: germline.
Comment: Algorithms developed to predict the effect of missense changes on protein structure and function (SIFT, PolyPhen-2, Align-GVGD) all suggest that this variant is likely to be tolerated. This variant has not been reported in the literature in individuals affected with NIN-related conditions. This variant is not present in population databases (gnomAD no frequency). This sequence change replaces valine, which is neutral and non-polar, with leucine, which is neutral and non-polar, at codon 2075 of the NIN protein (p.Val2075Leu). In summary, the available evidence is currently insufficient to determine the role of this variant in disease. Therefore, it has been classified as a Variant of Uncertain Significance.

NM_020921.4(NIN):c.6223G>T (p.Val2075Leu)

Gene: NIN (ninein; minus strand). Cytogenetic location: 14q22.1.
Variant type: single nucleotide variant.
Coding change: c.6223G>T on transcript NM_020921.4 (MANE Select); coding-DNA position 6223, G replaced by T.
Protein change: p.Val2075Leu; replaces valine 2075 with leucine.
Molecular consequence: missense variant.
Genome position (GRCh38, 1-based): chr14:50,723,642, C>A on the plus strand (G>T on the coding strand, the complement: NIN is on the minus strand). VCF-style: chr14-50723642-C-A. GRCh37 (hg19) VCF-style: chr14-51190360-C-A.
Other names: short protein forms V2075L.
Identifiers: ClinVar variation 1903831 (VCV001903831.5), dbSNP rs367999953, ClinGen allele CA260805189.